The following is an entry in ClinVar:

NM_001098.3(ACO2):c.135T>G (p.Tyr45Ter)

Gene: ACO2 (aconitase 2; plus strand). Cytogenetic location: 22q13.2.
Variant type: single nucleotide variant.
Coding change: c.135T>G on transcript NM_001098.3 (MANE Select); coding-DNA position 135, T replaced by G.
Protein change: p.Tyr45Ter; replaces tyrosine 45 with a stop codon.
Molecular consequence: nonsense.
Genome position (GRCh38, 1-based): chr22:41,499,824, T>G. VCF-style: chr22-41499824-T-G. GRCh37 (hg19) VCF-style: chr22-41895828-T-G.
Other names: short protein forms Y45*.
Identifiers: ClinVar variation 2043392 (VCV002043392.4), dbSNP rs2518210953, ClinGen allele CA411711955.
Genomic context (GRCh38, chr22:41,499,824, plus strand): 5'-CCTGTGCCAACGGGCCAAGGTGGCGATGAGCCACTTTGAGCCCAACGAGTACATCCATTA[T>G]GACCTGCTAGAGAAGAACATTAACATTGTTCGCAAACGGTAAGGCTGCAGATGGGAGGCT-3'

ClinVar aggregate classification (germline): Pathogenic (1 of 4 stars; one submission).

Submission:

Labcorp Genetics (formerly Invitae), Labcorp
Classification: Pathogenic. Last evaluated: 2022-08-31. Review status: criteria provided, single submitter. Criteria: Invitae Variant Classification Sherloc (09022015). Collection method: clinical testing. Allele origin: germline.
Comment: This variant has not been reported in the literature in individuals affected with ACO2-related conditions. For these reasons, this variant has been classified as Pathogenic. This variant is not present in population databases (gnomAD no frequency). This sequence change creates a premature translational stop signal (p.Tyr45*) in the ACO2 gene. It is expected to result in an absent or disrupted protein product. Loss-of-function variants in ACO2 are known to be pathogenic (PMID: 30689204, 32519519).

Literature cited by the submitters: PubMed 30689204; PubMed 32519519.